The following is an entry in ClinVar:

NM_001385641.1(SAMD11):c.2287C>T (p.Gln763Ter)

Gene: SAMD11 (sterile alpha motif domain containing 11; plus strand). Cytogenetic location: 1p36.33.
Variant type: single nucleotide variant.
Coding change: c.2287C>T on transcript NM_001385641.1 (MANE Select); coding-DNA position 2287, C replaced by T.
Protein change: p.Gln763Ter; replaces glutamine 763 with a stop codon.
Molecular consequence: nonsense.
Genome position (GRCh38, 1-based): chr1:943,806, C>T. VCF-style: chr1-943806-C-T. GRCh37 (hg19) VCF-style: chr1-879186-C-T.
Other names: c.2290C>T, p.Gln764Ter (NM_001385640.1); c.1798C>T, p.Gln600Ter (NM_152486.4); short protein forms Q764*, Q600*, Q763*.
Identifiers: ClinVar variation 3675699 (VCV003675699.2).
Genomic context (GRCh38, chr1:943,806, plus strand): 5'-GAGGAGCACCTGCTGACCAACATGGGGCTGAAGCTGGGGCCCGCCCTCAAGATCCGGGCC[C>T]AGGTGAGACGCTGGGGAGTGAGGTCAGGGTCTCCAGACCACAGCTGGGCAGAAAGCTCTG-3'

ClinVar aggregate classification (germline): Uncertain significance (1 of 4 stars; one submission).

Submission:

Labcorp Genetics (formerly Invitae), Labcorp
Classification: Uncertain significance. Last evaluated: 2024-04-25. Review status: criteria provided, single submitter. Criteria: Invitae Variant Classification Sherloc (09022015). Collection method: clinical testing. Allele origin: germline.
Comment: This sequence change creates a premature translational stop signal (p.Gln600*) in the SAMD11 gene. While this is not anticipated to result in nonsense mediated decay, it is expected to disrupt the last 82 amino acid(s) of the SAMD11 protein. This variant is not present in population databases (gnomAD no frequency). This variant has not been reported in the literature in individuals affected with SAMD11-related conditions. In summary, the available evidence is currently insufficient to determine the role of this variant in disease. Therefore, it has been classified as a Variant of Uncertain Significance.